The following is an entry in ClinVar:

NM_001127649.3(PEX26):c.354dup (p.Lys119fs)

Gene: PEX26 (peroxisomal biogenesis factor 26; plus strand). Cytogenetic location: 22q11.21.
Variant type: Duplication.
Coding change: c.354dup on transcript NM_001127649.3 (MANE Select); coding-DNA position 354, one base duplicated (C; older notation c.354dupC).
Protein change: p.Lys119fs; shifts the reading frame from lysine 119.
Molecular consequence: frameshift variant.
Genome position (GRCh38, 1-based): chr22:18,079,997, C duplicated; the last of 6 consecutive C bases (chr22:18,079,992-18,079,997); duplicating any one gives the same sequence. VCF-style (leftmost placement, unchanged base first): chr22-18079991-A-AC. GRCh37 (hg19) VCF-style: chr22-18562757-A-AC.
Other names: c.354dup, p.Lys119fs (NM_001199319.2, NM_017929.6); short protein forms K119fs.
Identifiers: ClinVar variation 2927899 (VCV002927899.3), dbSNP rs1926487809, ClinGen allele CA2655186725.

ClinVar aggregate classification (germline): Pathogenic (1 of 4 stars; one submission).

Conditions:
Peroxisome biogenesis disorder 7A (Zellweger). Also called: Peroxisome biogenesis disorder 7A. Identifiers: Orphanet 912, MedGen C3888385, MONDO:0013938, OMIM 614872.
Peroxisome biogenesis disorder 7B (PBD7B). Identifiers: Orphanet 44, MedGen C3553951, MONDO:0013939, OMIM 614873.

Submission:

Labcorp Genetics (formerly Invitae), Labcorp
Classification: Pathogenic for Peroxisome biogenesis disorder 7A (Zellweger); Peroxisome biogenesis disorder 7B. Last evaluated: 2022-12-16. Review status: criteria provided, single submitter. Criteria: Invitae Variant Classification Sherloc (09022015). Collection method: clinical testing. Allele origin: germline.
Comment: This sequence change creates a premature translational stop signal (p.Lys119Glnfs*60) in the PEX26 gene. It is expected to result in an absent or disrupted protein product. Loss-of-function variants in PEX26 are known to be pathogenic (PMID: 12851857, 21031596). This variant is not present in population databases (gnomAD no frequency). This variant has not been reported in the literature in individuals affected with PEX26-related conditions. For these reasons, this variant has been classified as Pathogenic.

Literature cited by the submitters: PubMed 12851857; PubMed 21031596.